The following is an entry in ClinVar:

ClinVar aggregate classification (germline): Likely benign. Review status: criteria provided, multiple submitters, no conflicts (2 of 4 stars). 3 submissions from 3 submitters: Likely benign (3). Last evaluated 2024-11-30.

Conditions:
Familial thoracic aortic aneurysm and aortic dissection (TAAD). Also called: Thoracic aortic aneurysms and dissections. Identifiers: Orphanet 91387, MedGen C4707243, MONDO:0019625.
Aortic aneurysm, familial thoracic 4 (AAT4). Also called: AORTIC ANEURYSM/AORTIC DISSECTION AND PATENT DUCTUS ARTERIOSUS. Identifiers: MedGen C1851504, MONDO:0007568, OMIM 132900.

Allele frequency attached by ClinVar (database versions not stated): TOPMed below 0.00001; gnomAD 0.00001.
gnomAD v4.1: 5 of 1,614,096 alleles (0.00031%); highest among the groups gnomAD compares: Non-Finnish European, 0.00034%; no homozygotes.

Submissions (3):

Labcorp Genetics (formerly Invitae), Labcorp
Classification: Likely benign for Aortic aneurysm, familial thoracic 4. Last evaluated: 2024-11-30. Review status: criteria provided, single submitter. Criteria: Invitae Variant Classification Sherloc (09022015). Collection method: clinical testing. Allele origin: germline.

All of Us Research Program, National Institutes of Health
Classification: Likely benign for Familial thoracic aortic aneurysm and aortic dissection. Last evaluated: 2023-10-23. Review status: criteria provided, single submitter. Criteria: ACMG Guidelines, 2015. Collection method: clinical testing. Allele origin: germline. Inheritance: Autosomal dominant inheritance. Observed: 1 variant allele, 1 heterozygote.
Comment: This study involves interpretation of variants in research participants for the purpose of population health screening. Participant phenotype was not available at the time of variant classification. Additional details can be found in publication PMID: 35346344, PMCID: PMC8962531

Color Diagnostics, LLC DBA Color Health
Classification: Likely benign for Familial thoracic aortic aneurysm and aortic dissection. Last evaluated: 2022-03-23. Review status: criteria provided, single submitter. Criteria: ACMG Guidelines, 2015. Collection method: clinical testing. Allele origin: germline.

NM_002474.3(MYH11):c.2919G>A (p.Lys973=)

Gene: MYH11 (myosin heavy chain 11; minus strand). Cytogenetic location: 16p13.11.
Variant type: single nucleotide variant.
Coding change: c.2919G>A on transcript NM_002474.3 (MANE Select); coding-DNA position 2919, G replaced by A.
Protein change: p.Lys973=; no amino-acid change (lysine 973 retained).
Molecular consequence: synonymous variant.
Genome position (GRCh38, 1-based): chr16:15,740,129, C>T on the plus strand (G>A on the coding strand, the complement: MYH11 is on the minus strand). VCF-style: chr16-15740129-C-T. GRCh37 (hg19) VCF-style: chr16-15833986-C-T.
Other names: c.2940G>A, p.Lys980= (NM_001040113.2, NM_001040114.2); c.2919G>A, p.Lys973= (NM_022844.3).
Identifiers: ClinVar variation 2773834 (VCV002773834.5), dbSNP rs2041231978, ClinGen allele CA493786320.